The following is an entry in ClinVar:

NM_004304.5(ALK):c.1243T>C (p.Ser415Pro)

Gene: ALK (ALK receptor tyrosine kinase; minus strand). Cytogenetic location: 2p23.2.
Variant type: single nucleotide variant.
Coding change: c.1243T>C on transcript NM_004304.5 (MANE Select); coding-DNA position 1243, T replaced by C.
Protein change: p.Ser415Pro; replaces serine 415 with proline.
Molecular consequence: missense variant.
Genome position (GRCh38, 1-based): chr2:29,383,771, A>G on the plus strand (T>C on the coding strand, the complement: ALK is on the minus strand). VCF-style: chr2-29383771-A-G. GRCh37 (hg19) VCF-style: chr2-29606637-A-G.
Other names: c.1243T>C (NM_004304.4); short protein forms S415P.
Identifiers: ClinVar variation 1421659 (VCV001421659.10), dbSNP rs1668963051, ClinGen allele CA346585159.
Genomic context (GRCh38, chr2:29,383,771, plus strand): 5'-GGGAAAGCCAGATTCAGATACCTTCACTGCAGTTCTTCAGGGCAAAGAAGTCCACTGCAG[A>G]CAAGCTGCGGTTTCCACTGGAGATGTATTCCAGGGCCACTCGAAATGGGTTGTCTGGACG-3'
Protein context (NP_004295.2, residues 405-425): EYISSGNRSL[Ser415Pro]AVDFFALKNC

ClinVar aggregate classification (germline): Uncertain significance. Review status: criteria provided, multiple submitters, no conflicts (2 of 4 stars). 2 submissions from 2 submitters: Uncertain significance (2). Last evaluated 2025-10-23.

Conditions:
Neuroblastoma, susceptibility to, 3. Also called: ALK-Related Neuroblastic Tumor Susceptibility. Identifiers: Orphanet 635, MedGen C2751681, MONDO:0013083, OMIM 613014.
Hereditary cancer-predisposing syndrome. Also called: Hereditary neoplastic syndrome; Tumor predisposition; Hereditary Cancer Syndrome; Neoplastic Syndromes, Hereditary. Identifiers: Orphanet 140162, MedGen C0027672, MeSH D009386, MONDO:0015356.

Allele frequency attached by ClinVar (database versions not stated): TOPMed below 0.00001.

Submissions (2):

Ambry Genetics
Classification: Uncertain significance for Hereditary cancer-predisposing syndrome. Last evaluated: 2025-10-23. Review status: criteria provided, single submitter. Criteria: Ambry Variant Classification Scheme 2023. Collection method: clinical testing. Allele origin: germline.
Comment: The p.S415P variant (also known as c.1243T>C), located in coding exon 5 of the ALK gene, results from a T to C substitution at nucleotide position 1243. The serine at codon 415 is replaced by proline, an amino acid with similar properties. This amino acid position is conserved. In addition, this alteration is predicted to be tolerated by in silico analysis. Since supporting evidence is limited at this time, the clinical significance of this alteration remains unclear.

Labcorp Genetics (formerly Invitae), Labcorp
Classification: Uncertain significance for Neuroblastoma, susceptibility to, 3. Last evaluated: 2025-05-13. Review status: criteria provided, single submitter. Criteria: Invitae Variant Classification Sherloc (09022015). Collection method: clinical testing. Allele origin: germline.
Comment: This sequence change replaces serine, which is neutral and polar, with proline, which is neutral and non-polar, at codon 415 of the ALK protein (p.Ser415Pro). This variant is not present in population databases (gnomAD no frequency). This variant has not been reported in the literature in individuals affected with ALK-related conditions. ClinVar contains an entry for this variant (Variation ID: 1421659). An algorithm developed to predict the effect of missense changes on protein structure and function (PolyPhen-2) suggests that this variant is likely to be disruptive. In summary, the available evidence is currently insufficient to determine the role of this variant in disease. Therefore, it has been classified as a Variant of Uncertain Significance.